The following is an entry in ClinVar:

ClinVar aggregate classification (germline): Pathogenic (1 of 4 stars; one submission).

Conditions:
Legius syndrome. Identifiers: Orphanet 137605, MedGen C1969623, MONDO:0012669, OMIM 611431. Disease mechanism: loss of function.

gnomAD v4.1: 1 of 1,613,220 alleles (0.000062%); highest among the groups gnomAD compares: African/African-American, 0.0013%; no homozygotes.

Submission:

Labcorp Genetics (formerly Invitae), Labcorp
Classification: Pathogenic for Legius syndrome. Last evaluated: 2024-04-06. Review status: criteria provided, single submitter. Criteria: Invitae Variant Classification Sherloc (09022015). Collection method: clinical testing. Allele origin: germline.
Comment: This sequence change creates a premature translational stop signal (p.Gln125*) in the SPRED1 gene. It is expected to result in an absent or disrupted protein product. Loss-of-function variants in SPRED1 are known to be pathogenic (PMID: 17704776). This variant is present in population databases (rs767771754, gnomAD 0.007%). This variant has not been reported in the literature in individuals affected with SPRED1-related conditions. For these reasons, this variant has been classified as Pathogenic.

Literature cited by the submitters: PubMed 17704776.

NM_152594.3(SPRED1):c.373C>T (p.Gln125Ter)

Gene: SPRED1 (sprouty related EVH1 domain containing 1; plus strand). Cytogenetic location: 15q14.
Variant type: single nucleotide variant.
Coding change: c.373C>T on transcript NM_152594.3 (MANE Select); coding-DNA position 373, C replaced by T.
Protein change: p.Gln125Ter; replaces glutamine 125 with a stop codon.
Molecular consequence: nonsense.
Genome position (GRCh38, 1-based): chr15:38,322,406, C>T. VCF-style: chr15-38322406-C-T. GRCh37 (hg19) VCF-style: chr15-38614607-C-T.
Other names: short protein forms Q125*.
Identifiers: ClinVar variation 3648937 (VCV003648937.2).